The following is an entry in ClinVar:

ClinVar aggregate classification (germline): Likely benign (0 of 4 stars; one submission).

Conditions:
NRP2-related disorder. Also called: NRP2-related condition.

Allele frequency attached by ClinVar (database versions not stated): TOPMed 0.00005; gnomAD 0.00007; ESP Exome Variant Server 0.00008; 1000 Genomes Project 30x 0.00016; 1000 Genomes Project 0.00020; ExAC 0.00032.

Submission:

PreventionGenetics, part of Exact Sciences
Classification: Likely benign for NRP2-related condition. Last evaluated: 2022-07-26. Review status: no assertion criteria provided. Collection method: clinical testing. Allele origin: germline.
Comment: This variant is classified as likely benign based on ACMG/AMP sequence variant interpretation guidelines (Richards et al. 2015 PMID: 25741868, with internal and published modifications).

NM_003872.3(NRP2):c.1062T>G (p.Asn354Lys)

Gene: NRP2 (neuropilin 2; plus strand). Cytogenetic location: 2q33.3.
Variant type: single nucleotide variant.
Coding change: c.1062T>G on transcript NM_003872.3 (MANE Select); coding-DNA position 1062, T replaced by G.
Protein change: p.Asn354Lys; replaces asparagine 354 with lysine.
Molecular consequence: missense variant.
Genome position (GRCh38, 1-based): chr2:205,727,962, T>G. VCF-style: chr2-205727962-T-G. GRCh37 (hg19) VCF-style: chr2-206592686-T-G.
Other names: c.1062T>G, p.Asn354Lys (NM_018534.4, NM_201264.2, NM_201266.2 and 2 more transcripts); short protein forms N354K.
Identifiers: ClinVar variation 3051471 (VCV003051471.2), dbSNP rs149039089, ClinGen allele CA2069003.